The following is an entry in ClinVar:

ClinVar aggregate classification (germline): Uncertain significance (1 of 4 stars; one submission).

gnomAD v4.1: 1 of 1,614,160 alleles (0.000062%); highest among the groups gnomAD compares: Admixed American, 0.0017%; no homozygotes.

Submission:

Labcorp Genetics (formerly Invitae), Labcorp
Classification: Uncertain significance. Last evaluated: 2025-07-09. Review status: criteria provided, single submitter. Criteria: Invitae Variant Classification Sherloc (09022015). Collection method: clinical testing. Allele origin: germline.
Comment: This sequence change replaces lysine, which is basic and polar, with glutamic acid, which is acidic and polar, at codon 1438 of the KMT2E protein (p.Lys1438Glu). This variant is present in population databases (rs559270552, gnomAD 0.003%). This variant has not been reported in the literature in individuals affected with KMT2E-related conditions. Invitae Evidence Modeling of protein sequence and biophysical properties (such as structural, functional, and spatial information, amino acid conservation, physicochemical variation, residue mobility, and thermodynamic stability) indicates that this missense variant is not expected to disrupt KMT2E protein function with a negative predictive value of 80%. In summary, the available evidence is currently insufficient to determine the role of this variant in disease. Therefore, it has been classified as a Variant of Uncertain Significance.

NM_182931.3(KMT2E):c.4312A>G (p.Lys1438Glu)

Gene: KMT2E (lysine methyltransferase 2E (inactive); plus strand). Cytogenetic location: 7q22.3.
Variant type: single nucleotide variant.
Coding change: c.4312A>G on transcript NM_182931.3 (MANE Select); coding-DNA position 4312, A replaced by G.
Protein change: p.Lys1438Glu; replaces lysine 1438 with glutamic acid.
Molecular consequence: missense variant.
Genome position (GRCh38, 1-based): chr7:105,112,068, A>G. VCF-style: chr7-105112068-A-G. GRCh37 (hg19) VCF-style: chr7-104752515-A-G.
Other names: c.4186A>G, p.Lys1396Glu (NM_001410908.1); c.4312A>G, p.Lys1438Glu (NM_018682.4); short protein forms K1396E, K1438E.
Identifiers: ClinVar variation 4781321 (VCV004781321.1).